The following is an entry in ClinVar:

NM_007194.4(CHEK2):c.1342A>G (p.Ile448Val)

Gene: CHEK2 (checkpoint kinase 2; minus strand). Cytogenetic location: 22q12.1.
Variant type: single nucleotide variant.
Coding change: c.1342A>G on transcript NM_007194.4 (MANE Select); coding-DNA position 1342, A replaced by G.
Protein change: p.Ile448Val; replaces isoleucine 448 with valine.
Molecular consequence: missense variant.
Genome position (GRCh38, 1-based): chr22:28,695,160, T>C on the plus strand (A>G on the coding strand, the complement: CHEK2 is on the minus strand). VCF-style: chr22-28695160-T-C. GRCh37 (hg19) VCF-style: chr22-29091148-T-C.
Other names: c.1471A>G, p.Ile491Val (NM_001005735.3); c.679A>G, p.Ile227Val (NM_001257387.3); c.1141A>G, p.Ile381Val (NM_001349956.3); c.1255A>G, p.Ile419Val (NM_145862.3); short protein forms I448V, I419V, I381V, I491V, I227V.
Identifiers: ClinVar variation 496342 (VCV000496342.16), dbSNP rs750012749, ClinGen allele CA10167678.

ClinVar aggregate classification (germline): Uncertain significance. Review status: criteria provided, multiple submitters, no conflicts (2 of 4 stars). 4 submissions from 4 submitters: Uncertain significance (4). Last evaluated 2025-09-21.

Conditions:
Hereditary cancer-predisposing syndrome. Also called: Tumor predisposition; Neoplastic Syndromes, Hereditary; Hereditary neoplastic syndrome; Hereditary Cancer Syndrome. Identifiers: Orphanet 140162, MedGen C0027672, MeSH D009386, MONDO:0015356.
Familial cancer of breast. Also called: Hereditary breast cancer; hereditary breast carcinoma; BREAST CANCER, FAMILIAL. Identifiers: Orphanet 227535, MedGen C0346153, MONDO:0016419, OMIM 114480. Disease mechanism: loss of function.

Allele frequency attached by ClinVar (database versions not stated): gnomAD exomes below 0.00001; ExAC 0.00001.
gnomAD v4.1: 5 of 1,613,244 alleles (0.00031%); highest among the groups gnomAD compares: Admixed American, 0.0067%; no homozygotes.

Submissions (4):

Labcorp Genetics (formerly Invitae), Labcorp
Classification: Uncertain significance for Familial cancer of breast. Last evaluated: 2025-09-21. Review status: criteria provided, single submitter. Criteria: Invitae Variant Classification Sherloc (09022015). Collection method: clinical testing. Allele origin: germline.
Comment: This sequence change replaces isoleucine, which is neutral and non-polar, with valine, which is neutral and non-polar, at codon 448 of the CHEK2 protein (p.Ile448Val). This variant is present in population databases (rs750012749, gnomAD 0.009%). This variant has not been reported in the literature in individuals affected with CHEK2-related conditions. ClinVar contains an entry for this variant (Variation ID: 496342). An algorithm developed to predict the effect of missense changes on protein structure and function (PolyPhen-2) suggests that this variant is likely to be tolerated. In summary, the available evidence is currently insufficient to determine the role of this variant in disease. Therefore, it has been classified as a Variant of Uncertain Significance.

Ambry Genetics
Classification: Uncertain significance for Hereditary cancer-predisposing syndrome. Last evaluated: 2024-06-10. Review status: criteria provided, single submitter. Criteria: Ambry Variant Classification Scheme 2023. Collection method: clinical testing. Allele origin: germline.
Comment: The p.I448V variant (also known as c.1342A>G), located in coding exon 11 of the CHEK2 gene, results from an A to G substitution at nucleotide position 1342. The isoleucine at codon 448 is replaced by valine, an amino acid with highly similar properties. In one study, this variant was not detected in 1054 BRCA-mutation-negative Hispanic women with hereditary breast cancer, but was detected in 1/1189 control subjects (Weitzel JN et al. Cancer, 2019 08;125:2829-2836). This amino acid position is well conserved in available vertebrate species. In addition, this alteration is predicted to be tolerated by in silico analysis. Since supporting evidence is limited at this time, the clinical significance of this alteration remains unclear.

GeneDx
Classification: Uncertain significance. Last evaluated: 2019-11-27. Review status: criteria provided, single submitter. Criteria: GeneDx Variant Classification Process June 2021. Collection method: clinical testing. Allele origin: germline. Affected: yes.
Comment: Not observed at a significant frequency in large population cohorts (Lek 2016); In silico analysis, which includes protein predictors and evolutionary conservation, supports that this variant does not alter protein structure/function; Has not been previously published as pathogenic or benign to our knowledge; This variant is associated with the following publications: (PMID: 31106920)

Women's Health and Genetics/Laboratory Corporation of America, LabCorp
Classification: Uncertain significance. Last evaluated: 2016-12-22. Review status: criteria provided, single submitter. Criteria: LabCorp Variant Classification Summary - May 2015. Collection method: clinical testing. Allele origin: germline.
Comment: Variant summary: The CHEK2 c.1342A>G (p.Ile448Val) variant located in the protein kinase-like domain (via InterPro) causes a missense change involving a conserved nucleotide, which 3/4 in silico tools (SNPs&GO not captured due to low reliability index) predict a benign outcome, although these predictions have yet to be functionally assessed. The variant of interest was observed in the large, broad control population, ExAC, with an allele frequency 1/120892, which does not exceed the estimated maximal expected allele frequency for a pathogenic CHEK2 variant of 1/35211. The variant of interest has not, to our knowledge, been reported in affected individuals via publications and/or reputable databases/clinical diagnostic laboratories. Therefore, until additional information becomes available (ie, clinical and functional studies), the variant of interest has been classified as a "Variant of Uncertain Significance (VUS)."

Literature cited by the submitters: PubMed 31206626 (cited by Ambry Genetics).